The following is an entry in ClinVar:

ClinVar aggregate classification (germline): Uncertain significance (1 of 4 stars; one submission).

Allele frequency attached by ClinVar (database versions not stated): gnomAD exomes below 0.00001.

Submission:

Labcorp Genetics (formerly Invitae), Labcorp
Classification: Uncertain significance. Last evaluated: 2022-10-17. Review status: criteria provided, single submitter. Criteria: Invitae Variant Classification Sherloc (09022015). Collection method: clinical testing. Allele origin: germline.
Comment: This sequence change replaces threonine, which is neutral and polar, with serine, which is neutral and polar, at codon 2088 of the FAT4 protein (p.Thr2088Ser). This variant is present in population databases (no rsID available, gnomAD 0.003%). This variant has not been reported in the literature in individuals affected with FAT4-related conditions. Advanced modeling of protein sequence and biophysical properties (such as structural, functional, and spatial information, amino acid conservation, physicochemical variation, residue mobility, and thermodynamic stability) performed at Invitae indicates that this missense variant is not expected to disrupt FAT4 protein function. In summary, the available evidence is currently insufficient to determine the role of this variant in disease. Therefore, it has been classified as a Variant of Uncertain Significance.

NM_001291303.3(FAT4):c.6262A>T (p.Thr2088Ser)

Gene: FAT4 (FAT atypical cadherin 4; plus strand). Cytogenetic location: 4q28.1.
Variant type: single nucleotide variant.
Coding change: c.6262A>T on transcript NM_001291303.3 (MANE Select); coding-DNA position 6262, A replaced by T.
Protein change: p.Thr2088Ser; replaces threonine 2088 with serine.
Molecular consequence: missense variant.
Genome position (GRCh38, 1-based): chr4:125,415,225, A>T. VCF-style: chr4-125415225-A-T. GRCh37 (hg19) VCF-style: chr4-126336380-A-T.
Other names: c.6262A>T, p.Thr2088Ser (NM_001291285.3, NM_024582.6); short protein forms T2088S.
Identifiers: ClinVar variation 2094866 (VCV002094866.1), dbSNP rs1356521554, ClinGen allele CA358128440.
Genomic context (GRCh38, chr4:125,415,225, plus strand): 5'-GTTGTTTTCAAAGCTCAAGCAACTGACCCAGATAGTGGCCCAAACAGCTATATTGAGTAC[A>T]CTCTGCTGAACCCTTTGGGAAACAAGTTCAGTATTGGGACCATTGATGGTGAAGTGAGGC-3'
Protein context (NP_001278232.1, residues 2078-2098): DSGPNSYIEY[Thr2088Ser]LLNPLGNKFS